The following is an entry in ClinVar:

ClinVar aggregate classification (germline): Likely benign (1 of 4 stars; one submission).

gnomAD v4.1: 1 of 1,613,782 alleles (0.000062%); highest among the groups gnomAD compares: South Asian, 0.0011%; no homozygotes.

Submission:

Women's Health and Genetics/Laboratory Corporation of America, LabCorp
Classification: Likely benign. Last evaluated: 2025-01-02. Review status: criteria provided, single submitter. Criteria: LabCorp Variant Classification Summary - May 2015. Collection method: clinical testing. Allele origin: germline.
Comment: Variant summary: MTSS2 c.798C>T alters a conserved nucleotide resulting in a synonymous change. Consensus agreement among computation tools predict no significant impact on normal splicing. However, these predictions have yet to be confirmed by functional studies. The variant was absent in 250424 control chromosomes. The available data on variant occurrences in the general population are insufficient to allow any conclusion about variant significance. To our knowledge, no occurrence of c.798C>T in individuals affected with Intellectual Developmental Disorder With Ocular Anomalies And Distinctive Facial Features and no experimental evidence demonstrating its impact on protein function have been reported. No submitters have cited clinical-significance assessments for this variant to ClinVar. Based on the evidence outlined above, the variant was classified as likely benign.

NM_138383.3(MTSS2):c.798C>T (p.Ser266=)

Gene: MTSS2 (MTSS I-BAR domain containing 2; minus strand). Cytogenetic location: 16q22.1.
Variant type: single nucleotide variant.
Coding change: c.798C>T on transcript NM_138383.3 (MANE Select); coding-DNA position 798, C replaced by T.
Protein change: p.Ser266=; no amino-acid change (serine 266 retained).
Molecular consequence: synonymous variant.
Genome position (GRCh38, 1-based): chr16:70,676,913, G>A on the plus strand (C>T on the coding strand, the complement: MTSS2 is on the minus strand). VCF-style: chr16-70676913-G-A. GRCh37 (hg19) VCF-style: chr16-70710816-G-A.
Identifiers: ClinVar variation 3769332 (VCV003769332.2).